The following is an entry in ClinVar:

NM_001160372.4(TRAPPC9):c.3019G>A (p.Val1007Ile)

Gene: TRAPPC9 (trafficking protein particle complex subunit 9; minus strand). Cytogenetic location: 8q24.3.
Variant type: single nucleotide variant.
Coding change: c.3019G>A on transcript NM_001160372.4 (MANE Select); coding-DNA position 3019, G replaced by A.
Protein change: p.Val1007Ile; replaces valine 1007 with isoleucine.
Molecular consequence: missense variant. On other transcripts: non-coding transcript variant (1).
Genome position (GRCh38, 1-based): chr8:139,885,915, C>T on the plus strand (G>A on the coding strand, the complement: TRAPPC9 is on the minus strand). VCF-style: chr8-139885915-C-T. GRCh37 (hg19) VCF-style: chr8-140898159-C-T.
Other names: c.2992G>A, p.Val998Ile (NM_001321646.2); c.3040G>A, p.Val1014Ile (NM_001374682.1); c.2908G>A, p.Val970Ile (NM_001374683.1); c.2875G>A, p.Val959Ile (NM_001374684.1); c.3019G>A, p.Val1007Ile (NM_031466.8); short protein forms V1007I, V1014I, V959I, V970I, V998I.
Identifiers: ClinVar variation 1327899 (VCV001327899.7), dbSNP rs368090693, ClinGen allele CA4892839.

ClinVar aggregate classification (germline): Uncertain significance. Review status: criteria provided, multiple submitters, no conflicts (2 of 4 stars). 2 submissions from 2 submitters: Uncertain significance (2). Last evaluated 2025-07-09.

Allele frequency attached by ClinVar (database versions not stated): gnomAD exomes 0.00003; ExAC 0.00004; gnomAD 0.00007 and 0.00008; TOPMed 0.00010; ESP Exome Variant Server 0.00015; 1000 Genomes Project 30x 0.00016.
gnomAD v4.1: 47 of 1,572,262 alleles (0.003%); highest among the groups gnomAD compares: African/African-American, 0.032%; no homozygotes.

Submissions (2):

Labcorp Genetics (formerly Invitae), Labcorp
Classification: Uncertain significance. Last evaluated: 2025-07-09. Review status: criteria provided, single submitter. Criteria: Invitae Variant Classification Sherloc (09022015). Collection method: clinical testing. Allele origin: germline.
Comment: This sequence change replaces valine, which is neutral and non-polar, with isoleucine, which is neutral and non-polar, at codon 1105 of the TRAPPC9 protein (p.Val1105Ile). This variant is present in population databases (rs368090693, gnomAD 0.01%). This variant has not been reported in the literature in individuals affected with TRAPPC9-related conditions. ClinVar contains an entry for this variant (Variation ID: 1327899). An algorithm developed to predict the effect of missense changes on protein structure and function outputs the following: PolyPhen-2: "Benign". The isoleucine amino acid residue is found in multiple mammalian species, which suggests that this missense change does not adversely affect protein function. In summary, the available evidence is currently insufficient to determine the role of this variant in disease. Therefore, it has been classified as a Variant of Uncertain Significance.

GeneDx
Classification: Uncertain significance. Last evaluated: 2021-06-11. Review status: criteria provided, single submitter. Criteria: GeneDx Variant Classification Process June 2021. Collection method: clinical testing. Allele origin: germline. Affected: yes.
Comment: Not observed at significant frequency in large population cohorts (Lek et al., 2016); In silico analysis supports that this missense variant does not alter protein structure/function; Has not been previously published as pathogenic or benign to our knowledge